The following is an entry in ClinVar:

NM_000682.7(ADRA2B):c.1126G>A (p.Val376Ile)

Gene: ADRA2B (adrenoceptor alpha 2B; minus strand). Cytogenetic location: 2q11.2.
Variant type: single nucleotide variant.
Coding change: c.1126G>A on transcript NM_000682.7 (MANE Select); coding-DNA position 1126, G replaced by A.
Protein change: p.Val376Ile; replaces valine 376 with isoleucine.
Molecular consequence: missense variant.
Genome position (GRCh38, 1-based): chr2:96,115,024, C>T on the plus strand (G>A on the coding strand, the complement: ADRA2B is on the minus strand). VCF-style: chr2-96115024-C-T. GRCh37 (hg19) VCF-style: chr2-96780772-C-T.
Other names: short protein forms V376I.
Identifiers: ClinVar variation 3046238 (VCV003046238.1), dbSNP rs1431850417, ClinGen allele CA347644931.

ClinVar aggregate classification (germline): Likely benign (1 of 4 stars; one submission).

Conditions:
ADRA2B-related disorder. Also called: ADRA2B-related condition.

Allele frequency attached by ClinVar (database versions not stated): gnomAD exomes below 0.00001; TOPMed below 0.00001.

Submission:

PreventionGenetics, part of Exact Sciences
Classification: Likely benign for ADRA2B-related condition. Last evaluated: 2019-03-07. Review status: criteria provided, single submitter. Criteria: ACMG Guidelines, 2015. Collection method: clinical testing. Allele origin: germline.
Comment: This variant is classified as likely benign based on ACMG/AMP sequence variant interpretation guidelines (Richards et al. 2015 PMID: 25741868, with internal and published modifications).